The following is an entry in ClinVar:

NM_000093.5(COL5A1):c.2244dup (p.Lys749fs)

Gene: COL5A1 (collagen type V alpha 1 chain; plus strand). Cytogenetic location: 9q34.3.
Variant type: Duplication.
Coding change: c.2244dup on transcript NM_000093.5 (MANE Select); coding-DNA position 2244, one base duplicated (G; older notation c.2244dupG).
Protein change: p.Lys749fs; shifts the reading frame from lysine 749.
Molecular consequence: frameshift variant.
Genome position (GRCh38, 1-based): chr9:134,768,421, G duplicated; the last of 4 consecutive G bases (chr9:134,768,418-134,768,421); duplicating any one gives the same sequence. VCF-style (leftmost placement, unchanged base first): chr9-134768417-T-TG. GRCh37 (hg19) VCF-style: chr9-137660263-T-TG.
Other names: c.2244dup, p.Lys749fs (NM_001278074.1); short protein forms K749fs.
Identifiers: ClinVar variation 3704195 (VCV003704195.2).

ClinVar aggregate classification (germline): Pathogenic (1 of 4 stars; one submission).

Conditions:
Ehlers-Danlos syndrome, classic type, 1 (EDSCL1). Also called: EHLERS-DANLOS SYNDROME, GRAVIS TYPE; EHLERS-DANLOS SYNDROME, SEVERE CLASSIC TYPE; Ehlers-Danlos syndrome, type 1; Ehlers-Danlos Syndrome, Classic Type, COL5A1-Related; EDS I. Identifiers: MedGen C0268335, MONDO:0019567, OMIM 130000.

Submission:

Labcorp Genetics (formerly Invitae), Labcorp
Classification: Pathogenic for Ehlers-Danlos syndrome, classic type, 1. Last evaluated: 2024-09-11. Review status: criteria provided, single submitter. Criteria: Invitae Variant Classification Sherloc (09022015). Collection method: clinical testing. Allele origin: germline.
Comment: This sequence change creates a premature translational stop signal (p.Lys749Glufs*11) in the COL5A1 gene. It is expected to result in an absent or disrupted protein product. Loss-of-function variants in COL5A1 are known to be pathogenic (PMID: 23587214). This variant is not present in population databases (gnomAD no frequency). This variant has not been reported in the literature in individuals affected with COL5A1-related conditions. For these reasons, this variant has been classified as Pathogenic.

Literature cited by the submitters: PubMed 23587214.